The following is an entry in ClinVar:

NM_000455.5(STK11):c.352T>G (p.Tyr118Asp)

Gene: STK11 (serine/threonine kinase 11; plus strand). Cytogenetic location: 19p13.3.
Variant type: single nucleotide variant.
Coding change: c.352T>G on transcript NM_000455.5 (MANE Select); coding-DNA position 352, T replaced by G.
Protein change: p.Tyr118Asp; replaces tyrosine 118 with aspartic acid.
Molecular consequence: missense variant. On other transcripts: non-coding transcript variant (1).
Genome position (GRCh38, 1-based): chr19:1,218,478, T>G. VCF-style: chr19-1218478-T-G. GRCh37 (hg19) VCF-style: chr19-1218477-T-G.
Other names: c.352T>G, p.Tyr118Asp (NM_001407255.1); short protein forms Y118D.
Identifiers: ClinVar variation 2853584 (VCV002853584.3), dbSNP rs2145420779, ClinGen allele CA402947831.

ClinVar aggregate classification (germline): Uncertain significance (1 of 4 stars; one submission).

Conditions:
Peutz-Jeghers syndrome (PJS). Also called: POLYPOSIS, HAMARTOMATOUS INTESTINAL; POLYPS-AND-SPOTS SYNDROME; Peutz-Jeghers polyposis; Periorificial lentiginosis syndrome. Identifiers: Orphanet 2869, MedGen C0031269, MeSH D010580, MONDO:0008280, OMIM 175200.

Submission:

Labcorp Genetics (formerly Invitae), Labcorp
Classification: Uncertain significance for Peutz-Jeghers syndrome. Last evaluated: 2023-04-22. Review status: criteria provided, single submitter. Criteria: Invitae Variant Classification Sherloc (09022015). Collection method: clinical testing. Allele origin: germline.
Comment: This variant has not been reported in the literature in individuals affected with STK11-related conditions. This variant is not present in population databases (gnomAD no frequency). This sequence change replaces tyrosine, which is neutral and polar, with aspartic acid, which is acidic and polar, at codon 118 of the STK11 protein (p.Tyr118Asp). Advanced modeling of protein sequence and biophysical properties (such as structural, functional, and spatial information, amino acid conservation, physicochemical variation, residue mobility, and thermodynamic stability) has been performed at Invitae for this missense variant, however the output from this modeling did not meet the statistical confidence thresholds required to predict the impact of this variant on STK11 protein function. In summary, the available evidence is currently insufficient to determine the role of this variant in disease. Therefore, it has been classified as a Variant of Uncertain Significance.